The following is an entry in ClinVar:

NM_019066.5(MAGEL2):c.22C>A (p.Leu8Met)

Gene: MAGEL2 (MAGE family member L2; minus strand). Cytogenetic location: 15q11.2.
Variant type: single nucleotide variant.
Coding change: c.22C>A on transcript NM_019066.5 (MANE Select); coding-DNA position 22, C replaced by A.
Protein change: p.Leu8Met; replaces leucine 8 with methionine.
Molecular consequence: missense variant.
Genome position (GRCh38, 1-based): chr15:23,647,721, G>T on the plus strand (C>A on the coding strand, the complement: MAGEL2 is on the minus strand). VCF-style: chr15-23647721-G-T. GRCh37 (hg19) VCF-style: chr15-23892868-G-T.
Other names: short protein forms L8M.
Identifiers: ClinVar variation 4999909 (VCV004999909.1).

ClinVar aggregate classification (germline): Uncertain significance (1 of 4 stars; one submission).

Conditions:
MAGEL2-related disorder. Also called: MAGEL2-related condition.

Submission:

PreventionGenetics, part of Exact Sciences
Classification: Uncertain significance for MAGEL2-related condition. Last evaluated: 2026-06-24. Review status: criteria provided, single submitter. Criteria: ACMG Guidelines, 2015. Collection method: clinical testing. Allele origin: germline.
Comment: The MAGEL2 c.22C>A variant is predicted to result in the amino acid substitution p.Leu8Met. To our knowledge, this variant has not been reported in the literature. This variant is reported in 0.0025% of alleles in individuals of European (Non-Finnish) descent in gnomAD. At this time, the clinical significance of this variant is uncertain due to the absence of conclusive functional and genetic evidence.